The following is an entry in ClinVar:

NM_001367561.1(DOCK7):c.691C>T (p.Arg231Cys)

Gene: DOCK7 (dedicator of cytokinesis 7; minus strand). Cytogenetic location: 1p31.3.
Variant type: single nucleotide variant.
Coding change: c.691C>T on transcript NM_001367561.1 (MANE Select); coding-DNA position 691, C replaced by T.
Protein change: p.Arg231Cys; replaces arginine 231 with cysteine.
Molecular consequence: missense variant.
Genome position (GRCh38, 1-based): chr1:62,648,147, G>A on the plus strand (C>T on the coding strand, the complement: DOCK7 is on the minus strand). VCF-style: chr1-62648147-G-A. GRCh37 (hg19) VCF-style: chr1-63113818-G-A.
Other names: c.691C>T, p.Arg231Cys (NM_001271999.2, NM_001272000.2, NM_001272001.2 and 3 more transcripts); short protein forms R231C.
Identifiers: ClinVar variation 838763 (VCV000838763.11), dbSNP rs1254316274, ClinGen allele CA340627132.
Genomic context (GRCh38, chr1:62,648,147, plus strand): 5'-TATATGCAAACATCTATACCTCATCTGGTGATGGATGCAAAGCAAAAAGTTCTTTGTGAC[G>A]GTTTGATTTCCTTTGGTCATCATTCTGACGGTCTATTTCTTCATTTGGAGTTCGATCAAG-3'
Protein context (NP_001354490.1, residues 221-241): RQNDDQRKSN[Arg231Cys]HKELFALHPS

ClinVar aggregate classification (germline): Uncertain significance. Review status: criteria provided, multiple submitters, no conflicts (2 of 4 stars). 3 submissions from 3 submitters: Uncertain significance (3). Last evaluated 2023-04-11.

Conditions:
Developmental and epileptic encephalopathy, 23 (DEE23). Also called: Epileptic encephalopathy, early infantile, 23. Identifiers: Orphanet 411986, MedGen C4014492, MONDO:0014371, OMIM 615859.

gnomAD v4.1: 1 of 1,613,290 alleles (0.000062%); highest among the groups gnomAD compares: Non-Finnish European, 0.000085%; no homozygotes.

Submissions (3):

Genome-Nilou Lab
Classification: Uncertain significance for Developmental and epileptic encephalopathy, 23. Last evaluated: 2023-04-11. Review status: criteria provided, single submitter. Criteria: ACMG Guidelines, 2015. Collection method: clinical testing. Allele origin: germline. Affected: no.

GeneDx
Classification: Uncertain significance. Last evaluated: 2022-02-12. Review status: criteria provided, single submitter. Criteria: GeneDx Variant Classification Process June 2021. Collection method: clinical testing. Allele origin: germline. Affected: yes.
Comment: Not observed at significant frequency in large population cohorts (gnomAD); In silico analysis supports that this missense variant has a deleterious effect on protein structure/function; Has not been previously published as pathogenic or benign to our knowledge

Labcorp Genetics (formerly Invitae), Labcorp
Classification: Uncertain significance for Developmental and epileptic encephalopathy, 23. Last evaluated: 2019-03-13. Review status: criteria provided, single submitter. Criteria: Invitae Variant Classification Sherloc (09022015). Collection method: clinical testing. Allele origin: germline.
Comment: In summary, the available evidence is currently insufficient to determine the role of this variant in disease. Therefore, it has been classified as a Variant of Uncertain Significance. Algorithms developed to predict the effect of missense changes on protein structure and function are either unavailable or do not agree on the potential impact of this missense change (SIFT: "Deleterious"; PolyPhen-2: "Probably Damaging"; Align-GVGD: "Class C0"). This variant has not been reported in the literature in individuals with DOCK7-related conditions. This variant is not present in population databases (ExAC no frequency). This sequence change replaces arginine with cysteine at codon 231 of the DOCK7 protein (p.Arg231Cys). The arginine residue is highly conserved and there is a large physicochemical difference between arginine and cysteine.